The following is an entry in ClinVar:

NM_000059.4(BRCA2):c.1786G>A (p.Asp596Asn)

Gene: BRCA2 (BRCA2 DNA repair associated; plus strand). Cytogenetic location: 13q13.1.
Variant type: single nucleotide variant.
Coding change: c.1786G>A on transcript NM_000059.4 (MANE Select); coding-DNA position 1786, G replaced by A.
Protein change: p.Asp596Asn; replaces aspartic acid 596 with asparagine.
Molecular consequence: missense variant.
Genome position (GRCh38, 1-based): chr13:32,333,264, G>A. VCF-style: chr13-32333264-G-A. GRCh37 (hg19) VCF-style: chr13-32907401-G-A.
Other names: short protein forms D596N.
Identifiers: ClinVar variation 224458 (VCV000224458.3), dbSNP rs56328701, ClinGen allele CA10575911.

ClinVar aggregate classification (germline): Conflicting classifications of pathogenicity. Review status: criteria provided, conflicting classifications (1 of 4 stars). 2 submissions from 2 submitters: Uncertain significance (1); Likely benign (1). Last evaluated 2023-03-23.

Conditions:
Hereditary cancer-predisposing syndrome. Also called: Tumor predisposition; Hereditary neoplastic syndrome; Neoplastic Syndromes, Hereditary; Hereditary Cancer Syndrome. Identifiers: Orphanet 140162, MedGen C0027672, MeSH D009386, MONDO:0015356.
Breast neoplasm. Also called: Neoplasm of breast; Breast tumor; Neoplasm of the breast; Breast Neoplasms. Identifiers: MedGen C1458155, MeSH D001943, MONDO:0021100, HP:0100013. Disease mechanism: gain of function.

Submissions (2):

University of Washington Department of Laboratory Medicine, University of Washington
Classification: Likely benign for Hereditary cancer-predisposing syndrome. Last evaluated: 2023-03-23. Review status: criteria provided, single submitter. Criteria: Dines et al. (Genet Med. 2020). Collection method: curation. Allele origin: germline.
Comment: Missense variant in a coldspot region where missense variants are very unlikely to be pathogenic (PMID:31911673).

BRCA2 exon 10 coldspot. Reclassification based on statistical prior probability.

Laboratory of Molecular Diagnosis of Cancer, West China Hospital, Sichuan University
Classification: Uncertain significance for Breast neoplasm. Last evaluated: 2015-11-01. Review status: criteria provided, single submitter. Criteria: ACMG Guidelines, 2015. Collection method: research. Allele origin: somatic. Affected: yes. Observed: 1 variant allele.

Literature cited by the submitters: PubMed 27257965 (cited by Laboratory of Molecular Diagnosis of Cancer, West China Hospital, Sichuan University).